The following is an entry in ClinVar:

ClinVar aggregate classification (germline): Uncertain significance. Review status: criteria provided, multiple submitters, no conflicts (2 of 4 stars). 3 submissions from 3 submitters: Uncertain significance (3). Last evaluated 2024-10-15.

Conditions:
Inborn genetic diseases. Identifiers: MedGen C0950123, MeSH D030342.
IFT74-related disorder. Also called: IFT74-related condition; IFT74-Related Disorders.

Submissions (3):

PreventionGenetics, part of Exact Sciences
Classification: Uncertain significance for IFT74-related condition. Last evaluated: 2024-10-15. Review status: criteria provided, single submitter. Criteria: ACMG Guidelines, 2015. Collection method: clinical testing. Allele origin: germline.
Comment: The IFT74 c.508A>C variant is predicted to result in the amino acid substitution p.Met170Leu. To our knowledge, this variant has not been reported in the literature or in a large population database (gnomAD), indicating this variant is rare. At this time, the clinical significance of this variant is uncertain due to the absence of conclusive functional and genetic evidence.

Ambry Genetics
Classification: Uncertain significance for Inborn genetic diseases. Last evaluated: 2024-01-23. Review status: criteria provided, single submitter. Criteria: Ambry Variant Classification Scheme 2023. Collection method: clinical testing. Allele origin: germline.

Labcorp Genetics (formerly Invitae), Labcorp
Classification: Uncertain significance. Last evaluated: 2022-06-05. Review status: criteria provided, single submitter. Criteria: Invitae Variant Classification Sherloc (09022015). Collection method: clinical testing. Allele origin: germline.
Comment: In summary, the available evidence is currently insufficient to determine the role of this variant in disease. Therefore, it has been classified as a Variant of Uncertain Significance. Algorithms developed to predict the effect of missense changes on protein structure and function (SIFT, PolyPhen-2, Align-GVGD) all suggest that this variant is likely to be tolerated. ClinVar contains an entry for this variant (Variation ID: 1362442). This variant has not been reported in the literature in individuals affected with IFT74-related conditions. This variant is not present in population databases (gnomAD no frequency). This sequence change replaces methionine, which is neutral and non-polar, with leucine, which is neutral and non-polar, at codon 170 of the IFT74 protein (p.Met170Leu).

NM_025103.4(IFT74):c.508A>C (p.Met170Leu)

Gene: IFT74 (intraflagellar transport 74; plus strand). Cytogenetic location: 9p21.2.
Variant type: single nucleotide variant.
Coding change: c.508A>C on transcript NM_025103.4 (MANE Select); coding-DNA position 508, A replaced by C.
Protein change: p.Met170Leu; replaces methionine 170 with leucine.
Molecular consequence: missense variant.
Genome position (GRCh38, 1-based): chr9:26,988,711, A>C. VCF-style: chr9-26988711-A-C. GRCh37 (hg19) VCF-style: chr9-26988709-A-C.
Other names: c.508A>C, p.Met170Leu (NM_001099222.3, NM_001099223.3, NM_001099224.3 and 1 more transcripts); c.508A>C (NM_025103.2, NM_001099222.1); short protein forms M170L.
Identifiers: ClinVar variation 1362442 (VCV001362442.6), dbSNP rs1205461850, ClinGen allele CA373129510.